The following is an entry in ClinVar:

NM_001303256.3(MORC2):c.2326-3C>T

Gene: MORC2 (MORC family CW-type zinc finger 2; minus strand). Cytogenetic location: 22q12.2.
Variant type: single nucleotide variant.
Coding change: c.2326-3C>T on transcript NM_001303256.3 (MANE Select); 3 bases into the intron before coding-DNA position 2326, C replaced by T.
Molecular consequence: intron variant.
Genome position (GRCh38, 1-based): chr22:30,933,523, G>A on the plus strand (C>T on the coding strand, the complement: MORC2 is on the minus strand). VCF-style: chr22-30933523-G-A. GRCh37 (hg19) VCF-style: chr22-31329510-G-A.
Other names: c.2326-3C>T (NM_001303257.2); c.2140-3C>T (NM_014941.3).
Identifiers: ClinVar variation 4769614 (VCV004769614.1).
Genomic context (GRCh38, chr22:30,933,523, plus strand): 5'-CACCTTTCTGAGCTCTCTTGAGGTCAGCCGAGTCCTCTTCCCCAGCACTGTCTGAGAGCT[G>A]CGTGGAGAGCAGTCTATTAGAGGCATCCCCAGTGCCCCCCAAGAGCAGACTTGTGCCTTA-3'

ClinVar aggregate classification (germline): Uncertain significance (1 of 4 stars; one submission).

Conditions:
Charcot-Marie-Tooth disease axonal type 2Z. Also called: CHARCOT-MARIE-TOOTH DISEASE, AXONAL, AUTOSOMAL DOMINANT, TYPE 2Z; CHARCOT-MARIE-TOOTH NEUROPATHY, TYPE 2Z. Identifiers: Orphanet 466768, MedGen C5569025, MONDO:0014736, OMIM 616688.

gnomAD v4.1: 2 of 1,613,582 alleles (0.00012%); highest among the groups gnomAD compares: African/African-American, 0.0013%; no homozygotes.

Submission:

Labcorp Genetics (formerly Invitae), Labcorp
Classification: Uncertain significance for Charcot-Marie-Tooth disease axonal type 2Z. Last evaluated: 2025-05-08. Review status: criteria provided, single submitter. Criteria: Invitae Variant Classification Sherloc (09022015). Collection method: clinical testing. Allele origin: germline.
Comment: This sequence change falls in intron 20 of the MORC2 gene. It does not directly change the encoded amino acid sequence of the MORC2 protein. It affects a nucleotide within the consensus splice site. This variant is present in population databases (rs571447847, gnomAD 0.007%). This variant has not been reported in the literature in individuals affected with MORC2-related conditions. Variants that disrupt the consensus splice site are a relatively common cause of aberrant splicing (PMID: 17576681, 9536098). Algorithms developed to predict the effect of sequence changes on RNA splicing suggest that this variant is not likely to affect RNA splicing. In summary, the available evidence is currently insufficient to determine the role of this variant in disease. Therefore, it has been classified as a Variant of Uncertain Significance.

Literature cited by the submitters: PubMed 17576681; PubMed 9536098.